The following is an entry in ClinVar:

ClinVar aggregate classification (germline): Conflicting classifications of pathogenicity. Review status: criteria provided, conflicting classifications (1 of 4 stars). 2 submissions from 2 submitters: Uncertain significance (1); Likely benign (1). Last evaluated 2023-03-23.

Conditions:
Hereditary breast ovarian cancer syndrome. Also called: BRCA1- and BRCA2-Associated Hereditary Breast and Ovarian Cancer; Hereditary breast and ovarian cancer; Hereditary breast and/or ovarian cancer syndrome; Hereditary breast and ovarian cancer syndrome; Hereditary breast and ovarian cancer syndrome (HBOC); Breast and ovarian cancer. Identifiers: Orphanet 145, MedGen C0677776, MeSH D061325, MONDO:0003582. Disease mechanism: loss of function.
Hereditary cancer-predisposing syndrome. Also called: Neoplastic Syndromes, Hereditary; Hereditary Cancer Syndrome; Tumor predisposition; Hereditary neoplastic syndrome. Identifiers: Orphanet 140162, MedGen C0027672, MeSH D009386, MONDO:0015356.

Submissions (2):

University of Washington Department of Laboratory Medicine, University of Washington
Classification: Likely benign for Hereditary cancer-predisposing syndrome. Last evaluated: 2023-03-23. Review status: criteria provided, single submitter. Criteria: Dines et al. (Genet Med. 2020). Collection method: curation. Allele origin: germline.
Comment: Missense variant in a coldspot region where missense variants are very unlikely to be pathogenic (PMID:31911673).

BRCA2 exon 11 coldspot. Reclassification based on statistical prior probability.

Labcorp Genetics (formerly Invitae), Labcorp
Classification: Uncertain significance for Hereditary breast ovarian cancer syndrome. Last evaluated: 2018-05-30. Review status: criteria provided, single submitter. Criteria: Invitae Variant Classification Sherloc (09022015). Collection method: clinical testing. Allele origin: germline.
Comment: In summary, the available evidence is currently insufficient to determine the role of this variant in disease. Therefore, it has been classified as a Variant of Uncertain Significance. Algorithms developed to predict the effect of sequence changes on RNA splicing suggest that this variant may create or strengthen a splice site, but this prediction has not been confirmed by published transcriptional studies. Algorithms developed to predict the effect of missense changes on protein structure and function output the following: SIFT: "Tolerated"; PolyPhen-2: "Benign"; Align-GVGD: "Class C0". The aspartic acid amino acid residue is found in multiple mammalian species, suggesting that this missense change does not adversely affect protein function. These predictions have not been confirmed by published functional studies and their clinical significance is uncertain. This variant has not been reported in the literature in individuals with BRCA2-related disease. This variant is not present in population databases (ExAC no frequency). This sequence change replaces asparagine with aspartic acid at codon 1973 of the BRCA2 protein (p.Asn1973Asp). The asparagine residue is weakly conserved and there is a small physicochemical difference between asparagine and aspartic acid.

NM_000059.4(BRCA2):c.5917A>G (p.Asn1973Asp)

Gene: BRCA2 (BRCA2 DNA repair associated; plus strand). Cytogenetic location: 13q13.1.
Variant type: single nucleotide variant.
Coding change: c.5917A>G on transcript NM_000059.4 (MANE Select); coding-DNA position 5917, A replaced by G.
Protein change: p.Asn1973Asp; replaces asparagine 1973 with aspartic acid.
Molecular consequence: missense variant.
Genome position (GRCh38, 1-based): chr13:32,340,272, A>G. VCF-style: chr13-32340272-A-G. GRCh37 (hg19) VCF-style: chr13-32914409-A-G.
Other names: short protein forms N1973D.
Identifiers: ClinVar variation 574821 (VCV000574821.10), dbSNP rs1555284460, ClinGen allele CA387787524.